The following is an entry in ClinVar:

ClinVar aggregate classification (germline): Likely pathogenic (1 of 4 stars; one submission).

Conditions:
Hereditary breast ovarian cancer syndrome. Also called: BRCA1- and BRCA2-Associated Hereditary Breast and Ovarian Cancer; Hereditary breast and ovarian cancer syndrome (HBOC); Breast and ovarian cancer; Hereditary breast and ovarian cancer syndrome; Hereditary breast and/or ovarian cancer syndrome; Hereditary breast and ovarian cancer. Identifiers: Orphanet 145, MedGen C0677776, MeSH D061325, MONDO:0003582. Disease mechanism: loss of function.

Submission:

Greenwood Genetic Center Diagnostic Laboratories, Greenwood Genetic Center
Classification: Likely pathogenic for Hereditary breast and ovarian cancer. Last evaluated: 2023-03-23. Review status: criteria provided, single submitter. Criteria: ACMG Guidelines, 2015. Collection method: clinical testing. Allele origin: germline.
Comment: PVS1, PM2

NM_000059.4(BRCA2):c.1002_1003dup (p.Glu335fs)

Gene: BRCA2 (BRCA2 DNA repair associated; plus strand). Cytogenetic location: 13q13.1.
Variant type: Duplication.
Coding change: c.1002_1003dup on transcript NM_000059.4 (MANE Select); coding-DNA positions 1002 to 1003, 2 bases duplicated (TG; older notation c.1002_1003dupTG).
Protein change: p.Glu335fs; shifts the reading frame from glutamic acid 335.
Molecular consequence: frameshift variant. On other transcripts: non-coding transcript variant (1), intron variant (1).
Genome position (GRCh38, 1-based): chr13:32,332,480-32,332,481, TG duplicated. VCF-style (leftmost placement, unchanged base first): chr13-32332479-A-ATG. GRCh37 (hg19) VCF-style: chr13-32906616-A-ATG.
Other names: c.1002_1003dup, p.Glu335fs (NM_001406719.1, NM_001406720.1, NM_001406721.1); c.424+1450_424+1451dup (NM_001406722.1); short protein forms E335fs.
Identifiers: ClinVar variation 2505216 (VCV002505216.1), dbSNP rs2548519334, ClinGen allele CA2580614647.
Genomic context (GRCh38, chr13:32,332,479, plus strand): 5'-AATGTAGAACAAAAAATCTACAAAAAGTAAGAACTAGCAAGACTAGGAAAAAAATTTTCC[A>ATG]TGAAGCAAACGCTGATGAATGTGAAAAATCTAAAAACCAAGTGAAAGAAAAATACTCATT-3'